The following is an entry in ClinVar:

ClinVar aggregate classification (germline): Uncertain significance (1 of 4 stars; one submission).

gnomAD v4.1: 2 of 1,613,628 alleles (0.00012%); no homozygotes.

Submission:

Labcorp Genetics (formerly Invitae), Labcorp
Classification: Uncertain significance. Last evaluated: 2024-08-14. Review status: criteria provided, single submitter. Criteria: Invitae Variant Classification Sherloc (09022015). Collection method: clinical testing. Allele origin: germline.
Comment: This sequence change replaces proline, which is neutral and non-polar, with serine, which is neutral and polar, at codon 3893 of the PCLO protein (p.Pro3893Ser). This variant is not present in population databases (gnomAD no frequency). This variant has not been reported in the literature in individuals affected with PCLO-related conditions. Experimental studies and prediction algorithms are not available or were not evaluated, and the functional significance of this variant is currently unknown. In summary, the available evidence is currently insufficient to determine the role of this variant in disease. Therefore, it has been classified as a Variant of Uncertain Significance.

NM_033026.6(PCLO):c.11677C>T (p.Pro3893Ser)

Gene: PCLO (piccolo presynaptic cytomatrix protein; minus strand). Cytogenetic location: 7q21.11.
Variant type: single nucleotide variant.
Coding change: c.11677C>T on transcript NM_033026.6 (MANE Select); coding-DNA position 11677, C replaced by T.
Protein change: p.Pro3893Ser; replaces proline 3893 with serine.
Molecular consequence: missense variant.
Genome position (GRCh38, 1-based): chr7:82,916,309, G>A on the plus strand (C>T on the coding strand, the complement: PCLO is on the minus strand). VCF-style: chr7-82916309-G-A. GRCh37 (hg19) VCF-style: chr7-82545625-G-A.
Other names: c.11677C>T, p.Pro3893Ser (NM_014510.3); short protein forms P3893S.
Identifiers: ClinVar variation 3683355 (VCV003683355.2).